The following is an entry in ClinVar:

NM_000088.4(COL1A1):c.802del (p.Arg268fs)

Genes: COL1A1 (collagen type I alpha 1 chain; minus strand), LOC126862586 (CDK7 strongly-dependent group 2 enhancer GRCh37_chr17:48273702-48274901; plus strand). Cytogenetic location: 17q21.33.
Variant type: Deletion.
Coding change: c.802del on transcript NM_000088.4 (MANE Select); coding-DNA position 802, one base deleted (A; older notation c.802delA).
Protein change: p.Arg268fs; shifts the reading frame from arginine 268.
Molecular consequence: frameshift variant.
Genome position (GRCh38, 1-based): chr17:50,197,012, T deleted on the plus strand (A on the coding strand, the reverse complement: COL1A1 is on the minus strand). VCF-style (leftmost placement, unchanged base first): chr17-50197011-CT-C. GRCh37 (hg19) VCF-style: chr17-48274372-CT-C.
Other names: short protein forms R268fs.
Identifiers: ClinVar variation 4890858 (VCV004890858.1).

ClinVar aggregate classification (germline): Likely pathogenic (1 of 4 stars; one submission).

Conditions:
Osteogenesis imperfecta (OI). Identifiers: Orphanet 666, MedGen C0029434, MeSH D010013, MONDO:0019019.

Submission:

Clinical Genetics Laboratory, Skane University Hospital Lund
Classification: Likely pathogenic for Osteogenesis imperfecta. Last evaluated: 2026-06-30. Review status: criteria provided, single submitter. Criteria: ACMG Guidelines, 2015. Collection method: clinical testing. Allele origin: germline. Affected: yes.
Comment: The variant has been classified as likely pathogenic according to the following ACMG criteria: PVS1 and PM2.